The following is an entry in ClinVar:

ClinVar aggregate classification (germline): Pathogenic. Review status: criteria provided, multiple submitters, no conflicts (2 of 4 stars). 6 submissions from 6 submitters: Pathogenic (4). 2 of the submissions do not count toward it. Last evaluated 2021-10-01.

Conditions:
Menkes kinky-hair syndrome (MNK). Also called: Menkes Disease; Copper transport disease; Classic Menkes Disease. Identifiers: Orphanet 565, MedGen C0022716, MONDO:0010651, OMIM 309400.
Cutis laxa, X-linked (OHS). Also called: EDS IX; Occipital horn syndrome. Identifiers: Orphanet 198, MedGen C0268353, MONDO:0010572, OMIM 304150.
X-linked distal spinal muscular atrophy type 3. Also called: SPINAL MUSCULAR ATROPHY, DISTAL, X-LINKED RECESSIVE; NEURONOPATHY, DISTAL HEREDITARY MOTOR, X-LINKED; NEUROPATHY, DISTAL HEREDITARY MOTOR, X-LINKED; ATP7A-Related Distal Motor Neuropathy. Identifiers: Orphanet 139557, MedGen C1845359, MONDO:0010338, OMIM 300489.

Submissions (6):

Laboratory of Medical Genetics, National & Kapodistrian University of Athens
Classification: Pathogenic for Menkes kinky-hair syndrome. Last evaluated: 2021-10-01. Review status: criteria provided, single submitter. Criteria: ACMG Guidelines, 2015. Collection method: clinical testing. Allele origin: unknown. Affected: yes.
Comment: PVS1, PM1, PM2, PP3, PP5

GeneDx
Classification: Pathogenic. Last evaluated: 2017-11-20. Review status: criteria provided, single submitter. Criteria: GeneDx Variant Classification (06012015). Collection method: clinical testing. Allele origin: germline. Affected: yes.
Comment: The R795X variant in the ATP7A gene has been previously identified in at least one male with a clinical diagnosis of classical severe Menkes disease (TÃ¼mer et al., 1997a; TÃ¼mer et al., 1997b). R795X is predicted to cause loss of normal protein function either by protein truncation or nonsense-mediated mRNA decay. Other nonsense variants in the ATP7A gene have been reported in Human Gene Mutation Database in association with Menkes disease (Stenson et al., 2014). Furthermore, the R795X variant is not observed in large population cohorts (Lek et al., 2016).

Genetic Services Laboratory, University of Chicago
Classification: Pathogenic for Menkes disease. Last evaluated: 2013-02-08. Review status: criteria provided, single submitter. Criteria: ACMG Guidelines, 2007. Collection method: clinical testing. Allele origin: germline. Affected: yes.

Institute for Medical Genetics and Human Genetics, Charité - Universitätsmedizin Berlin
Classification: Pathogenic for Menkes kinky-hair syndrome. Review status: criteria provided, single submitter. Criteria: ACMG Guidelines, 2015. Collection method: not provided. Allele origin: germline. Inheritance: X-linked inheritance. Affected: yes.

Natera, Inc.
Classification: Pathogenic for Distal spinal muscular atrophy, X-linked 3; Cutis laxa, X-linked; Menkes kinky-hair syndrome. Last evaluated: 2020-09-16. Review status: no assertion criteria provided. Collection method: clinical testing. Allele origin: germline. Not counted in ClinVar's aggregate classification.

Inherited Neuropathy Consortium Ii, University Of Miami
Classification: Uncertain significance for Menkes kinky-hair syndrome. Last evaluated: 2016-01-06. Review status: no assertion criteria provided. Collection method: literature only. Allele origin: germline. Affected: yes. Not counted in ClinVar's aggregate classification.

Literature cited by the submitters: PubMed 34008892 (cited by Laboratory of Medical Genetics, National & Kapodistrian University of Athens); PubMed 24630286 (cited by Inherited Neuropathy Consortium Ii, University Of Miami).

NM_000052.7(ATP7A):c.2383C>T (p.Arg795Ter)

Gene: ATP7A (ATPase copper transporting alpha; plus strand). Cytogenetic location: Xq21.1.
Variant type: single nucleotide variant.
Coding change: c.2383C>T on transcript NM_000052.7 (MANE Select); coding-DNA position 2383, C replaced by T.
Protein change: p.Arg795Ter; replaces arginine 795 with a stop codon.
Molecular consequence: nonsense. On other transcripts: intron variant (1).
Genome position (GRCh38, 1-based): chrX:78,013,089, C>T. VCF-style: chrX-78013089-C-T. GRCh37 (hg19) VCF-style: chrX-77268586-C-T.
Other names: c.2172+1415C>T (NM_001282224.2); c.2383C>T (NM_000052.6); short protein forms R795*.
Identifiers: ClinVar variation 210425 (VCV000210425.12), dbSNP rs72554645, ClinGen allele CA277113.